The following is an entry in ClinVar:

ClinVar aggregate classification (germline): Likely benign (0 of 4 stars; one submission).

Conditions:
KY-related disorder. Also called: KY-related condition.

Allele frequency attached by ClinVar (database versions not stated): 1000 Genomes Project 0.00120; 1000 Genomes Project 30x 0.00125; gnomAD 0.00338; TOPMed 0.00342; gnomAD exomes 0.00468; ESP Exome Variant Server 0.00472; ExAC 0.00585.
gnomAD v4.1: 7,189 of 1,576,854 alleles (0.46%); highest among the groups gnomAD compares: Non-Finnish European, 0.55%; 26 homozygotes.

Submission:

PreventionGenetics, part of Exact Sciences
Classification: Likely benign for KY-related condition. Last evaluated: 2019-11-06. Review status: no assertion criteria provided. Collection method: clinical testing. Allele origin: germline.
Comment: This variant is classified as likely benign based on ACMG/AMP sequence variant interpretation guidelines (Richards et al. 2015 PMID: 25741868, with internal and published modifications).

NM_178554.6(KY):c.337+22A>G

Genes: CEP63 (centrosomal protein 63; plus strand), KY (kyphoscoliosis peptidase; minus strand). Cytogenetic location: 3q22.2.
Variant type: single nucleotide variant.
Coding change: c.337+22A>G on transcript NM_178554.6 (MANE Select); 22 bases into the intron after coding-DNA position 337, A replaced by G.
Molecular consequence: intron variant.
Genome position (GRCh38, 1-based): chr3:134,629,599, T>C on the plus strand (A>G on the coding strand, the complement: KY is on the minus strand). VCF-style: chr3-134629599-T-C. GRCh37 (hg19) VCF-style: chr3-134348441-T-C.
Other names: c.289+7A>G (NM_001350859.2); c.274+22A>G (NM_001366276.1); c.211+22A>G (NM_001350860.2); c.337+22A>G (NM_001366277.2).
Identifiers: ClinVar variation 3041948 (VCV003041948.2), dbSNP rs141346785, ClinGen allele CA2629318.